The following is an entry in ClinVar:

ClinVar aggregate classification (germline): Uncertain significance. Review status: criteria provided, multiple submitters, no conflicts (2 of 4 stars). 3 submissions from 3 submitters: Uncertain significance (3). Last evaluated 2026-08-03.

Conditions:
Inborn genetic diseases. Identifiers: MedGen C0950123, MeSH D030342.
PEX5-related disorder. Also called: PEX5-Related Disorders; PEX5-related condition.
Peroxisome biogenesis disorder 2B (PBD2B). Identifiers: Orphanet 44, MedGen C3550234, MONDO:0008736, OMIM 202370.

Allele frequency attached by ClinVar (database versions not stated): gnomAD 0.00001; TOPMed 0.00002; gnomAD exomes 0.00003 and 0.00007; ExAC 0.00005.
gnomAD v4.1: 19 of 1,614,134 alleles (0.0012%); highest among the groups gnomAD compares: Admixed American, 0.03%; no homozygotes.

Submissions (3):

PreventionGenetics, part of Exact Sciences
Classification: Uncertain significance for PEX5-related condition. Last evaluated: 2026-08-03. Review status: criteria provided, single submitter. Criteria: ACMG Guidelines, 2015. Collection method: clinical testing. Allele origin: germline.
Comment: The PEX5 c.1790G>A variant is predicted to result in the amino acid substitution p.Gly597Asp. To our knowledge, this variant has not been reported in the literature. This variant is reported in 0.048% of alleles in individuals of Latino descent in gnomAD. At this time, the clinical significance of this variant is uncertain due to the absence of conclusive functional and genetic evidence.

Labcorp Genetics (formerly Invitae), Labcorp
Classification: Uncertain significance for Peroxisome biogenesis disorder 2B. Last evaluated: 2022-09-27. Review status: criteria provided, single submitter. Criteria: Invitae Variant Classification Sherloc (09022015). Collection method: clinical testing. Allele origin: germline.
Comment: This sequence change replaces glycine, which is neutral and non-polar, with aspartic acid, which is acidic and polar, at codon 597 of the PEX5 protein (p.Gly597Asp). This variant is present in population databases (rs772805558, gnomAD 0.05%). This variant has not been reported in the literature in individuals affected with PEX5-related conditions. ClinVar contains an entry for this variant (Variation ID: 1060086). Advanced modeling of protein sequence and biophysical properties (such as structural, functional, and spatial information, amino acid conservation, physicochemical variation, residue mobility, and thermodynamic stability) performed at Invitae indicates that this missense variant is not expected to disrupt PEX5 protein function. In summary, the available evidence is currently insufficient to determine the role of this variant in disease. Therefore, it has been classified as a Variant of Uncertain Significance.

Ambry Genetics
Classification: Uncertain significance for Inborn genetic diseases. Last evaluated: 2021-04-07. Review status: criteria provided, single submitter. Criteria: Ambry Variant Classification Scheme 2023. Collection method: clinical testing. Allele origin: germline.

NM_001351132.2(PEX5):c.1790G>A (p.Gly597Asp)

Gene: PEX5 (peroxisomal biogenesis factor 5; plus strand). Cytogenetic location: 12p13.31.
Variant type: single nucleotide variant.
Coding change: c.1790G>A on transcript NM_001351132.2 (MANE Select); coding-DNA position 1790, G replaced by A.
Protein change: p.Gly597Asp; replaces glycine 597 with aspartic acid.
Molecular consequence: missense variant.
Genome position (GRCh38, 1-based): chr12:7,210,093, G>A. VCF-style: chr12-7210093-G-A. GRCh37 (hg19) VCF-style: chr12-7362689-G-A.
Other names: c.1790G>A, p.Gly597Asp (NM_001351133.2, NM_001351134.2, NM_001131025.2 and 4 more transcripts); c.1724G>A, p.Gly575Asp (NM_001351135.3, NM_001351138.2); c.1781G>A, p.Gly594Asp (NM_001351136.2); c.1679G>A, p.Gly560Asp (NM_001351137.3, NM_001374645.1, NM_001131024.2 and 7 more transcripts); c.1655G>A, p.Gly552Asp (NM_001351139.2, NM_001351140.2, NM_001374649.2); c.1766G>A, p.Gly589Asp (NM_000319.5); c.1835G>A, p.Gly612Asp (NM_001131023.2); c.1790G>A (NM_001131025.1); short protein forms G552D, G560D, G575D, G589D, G594D, G597D, G612D.
Identifiers: ClinVar variation 1060086 (VCV001060086.6), dbSNP rs772805558, ClinGen allele CA6426592.
Genomic context (GRCh38, chr12:7,210,093, plus strand): 5'-AGCACTTTCTGGAGGCCCTGAACATGCAGAGGAAAAGCCGGGGCCCCCGGGGTGAAGGAG[G>A]TGCCATGTCGGAGAACATCTGGAGCACCCTGCGTTTGGCATTGTCTATGTTAGGCCAGAG-3'
Protein context (NP_001338061.1, residues 587-607): RKSRGPRGEG[Gly597Asp]AMSENIWSTL